The following is an entry in ClinVar:

NM_000483.5(APOC2):c.56-4G>C

Genes: APOC2 (apolipoprotein C2; plus strand), APOC4-APOC2 (APOC4-APOC2 readthrough (NMD candidate); plus strand). Cytogenetic location: 19q13.32.
Variant type: single nucleotide variant.
Coding change: c.56-4G>C on transcript NM_000483.5 (MANE Select); 4 bases into the intron before coding-DNA position 56, G replaced by C.
Molecular consequence: intron variant.
Genome position (GRCh38, 1-based): chr19:44,948,697, G>C. VCF-style: chr19-44948697-G-C. GRCh37 (hg19) VCF-style: chr19-45451954-G-C.
Other names: p.?.
Identifiers: ClinVar variation 782056 (VCV000782056.19), dbSNP rs74500990, ClinGen allele CA9506598.

ClinVar aggregate classification (germline): Benign. Review status: criteria provided, multiple submitters, no conflicts (2 of 4 stars). 6 submissions from 6 submitters: Benign (6). Last evaluated 2026-09-21.

Conditions:
Cardiovascular phenotype. Identifiers: MedGen CN230736.
Familial apolipoprotein C-II deficiency. Also called: APOC2 DEFICIENCY; C-II ANAPOLIPOPROTEINEMIA; HYPERLIPOPROTEINEMIA, TYPE IB. Identifiers: Orphanet 309020, Orphanet 444490, MedGen C1720779, MONDO:0008810, OMIM 207750.

Allele frequency attached by ClinVar (database versions not stated): ExAC 0.00364; gnomAD 0.01248 and 0.01163; ESP Exome Variant Server 0.01253; 1000 Genomes Project 30x 0.01374; TOPMed 0.01385; gnomAD exomes 0.00318; 1000 Genomes Project 0.01238.
gnomAD v4.1: 3,655 of 1,613,916 alleles (0.23%); highest among the groups gnomAD compares: African/African-American, 3.7%; 53 homozygotes.

Submissions (6):

Molecular Diagnostic Laboratory for Inherited Cardiovascular Disease, Montreal Heart Institute
Classification: Benign. Last evaluated: 2026-09-21. Review status: criteria provided, single submitter. Criteria: ACMG Guidelines, 2015. Collection method: clinical testing. Allele origin: germline. Affected: no.

Labcorp Genetics (formerly Invitae), Labcorp
Classification: Benign. Last evaluated: 2026-01-06. Review status: criteria provided, single submitter. Criteria: Invitae Variant Classification Sherloc (09022015). Collection method: clinical testing. Allele origin: germline.

Mayo Clinic Laboratories, Mayo Clinic
Classification: Benign. Last evaluated: 2025-04-11. Review status: criteria provided, single submitter. Criteria: ACMG Guidelines, 2015. Collection method: clinical testing. Allele origin: germline. Observed: 1 variant allele.
Comment: BA1, BP4, BP7

Ambry Genetics
Classification: Benign for Cardiovascular phenotype. Last evaluated: 2019-07-05. Review status: criteria provided, single submitter. Criteria: Ambry Variant Classification Scheme 2023. Collection method: clinical testing. Allele origin: germline.

GeneDx
Classification: Benign. Last evaluated: 2019-05-24. Review status: criteria provided, single submitter. Criteria: GeneDx Variant Classification Process June 2021. Collection method: clinical testing. Allele origin: germline. Affected: yes.

Illumina Laboratory Services, Illumina
Classification: Benign for Familial apolipoprotein C-II deficiency. Last evaluated: 2018-01-12. Review status: criteria provided, single submitter. Criteria: ICSL Variant Classification Criteria 13 December 2019. Collection method: clinical testing. Allele origin: germline.
Comment: This variant was observed in the ICSL laboratory as part of a predisposition screen in an ostensibly healthy population. It had not been previously curated by ICSL or reported in the Human Gene Mutation Database (HGMD: prior to June 1st, 2018), and was therefore a candidate for classification through an automated scoring system. Utilizing variant allele frequency, disease prevalence and penetrance estimates, and inheritance mode, an automated score was calculated to assess if this variant is too frequent to cause the disease. Based on the score and internal cut-off values, a variant classified as benign is not then subjected to further curation. The score for this variant resulted in a classification of benign for this disease.

Literature cited by the submitters: PubMed 36325899 (cited by Mayo Clinic Laboratories, Mayo Clinic).